The following is an entry in ClinVar:

ClinVar aggregate classification (germline): Likely pathogenic. Review status: criteria provided, multiple submitters, no conflicts (2 of 4 stars). 6 submissions from 6 submitters: Likely pathogenic (5). 1 of the submissions does not count toward it. Last evaluated 2025-09-04.

Conditions:
Autosomal recessive limb-girdle muscular dystrophy type 2B (LGMDR2). Also called: MUSCULAR DYSTROPHY, LIMB-GIRDLE, AUTOSOMAL RECESSIVE 2; Limb-girdle muscular dystrophy, type 2B; Limb-Girdle Muscular Dystrophy Type 2B (LGMD2B); MUSCULAR DYSTROPHY, LIMB-GIRDLE, TYPE 3. Identifiers: Orphanet 268, MedGen C1850889, MONDO:0009676, OMIM 253601.
Miyoshi muscular dystrophy 1 (MMD1). Identifiers: Orphanet 45448, MedGen C4551973, MONDO:0024545, OMIM 254130.
Distal myopathy with anterior tibial onset. Identifiers: Orphanet 178400, MedGen C1847532, MONDO:0011721, OMIM 606768.
Autosomal recessive limb-girdle muscular dystrophy. Identifiers: Orphanet 102015, MedGen C2931907, MONDO:0015152.
Neuromuscular disease caused by qualitative or quantitative defects of dysferlin. Also called: Qualitative or quantitative defects of dysferlin; Dysferlinopathy. Identifiers: Orphanet 207073, MedGen C2931687, MONDO:0016145.

Allele frequency attached by ClinVar (database versions not stated): gnomAD exomes below 0.00001; ExAC 0.00001.
gnomAD v4.1: 1 of 1,614,152 alleles (0.000062%); highest among the groups gnomAD compares: Non-Finnish European, 0.000085%; no homozygotes.

Submissions (7):

Myriad Genetics, Inc.
Classification: Likely pathogenic for Autosomal recessive limb-girdle muscular dystrophy. Last evaluated: 2025-09-04. Review status: criteria provided, single submitter. Criteria: Myriad Autosomal Dominant, Autosomal Recessive and X-Linked Classification Criteria (2023). Collection method: clinical testing. Allele origin: unknown.
Comment: NM_003494.3(DYSF):c.5668-1G>C is a variant in a canonical splice site classified as likely pathogenic in the context of dysferlinopathy. c.5668-1G>C has not been observed in cases with relevant disease. Relevant functional assessments of this variant are not available in the literature. c.5668-1G>C has not been observed in referenced population frequency databases. In summary, NM_003494.3(DYSF):c.5668-1G>C is a variant in a canonical splice site in a gene where loss of function is a known mechanism of disease and is predicted to disrupt protein function. Please note: this variant was assessed in the context of healthy population screening.

Natera, Inc.
Classification: Likely pathogenic for Limb-girdle muscular dystrophy type 2B. Last evaluated: 2025-08-13. Review status: criteria provided, single submitter. Criteria: Natera Variant Classification Schema (03/2026). Collection method: clinical testing. Allele origin: germline.
Comment: The c.5668-1G>C variant in DYSF is a canonical splice acceptor site variant predicted to affect pre-mRNA splicing, which may result in an abnormal transcript and altered protein product. This variant is expected to result in nonsense mediated decay, truncation, or a dysfunctional protein product. This variant is rare in the general population with a frequency below the threshold expected for the associated phenotype(s). Given the available evidence, this variant is classified as Likely Pathogenic.

Baylor Genetics
Classification: Likely pathogenic for Miyoshi muscular dystrophy 1. Last evaluated: 2024-03-14. Review status: criteria provided, single submitter. Criteria: ACMG Guidelines, 2015. Collection method: clinical testing. Allele origin: unknown.

Fulgent Genetics
Classification: Likely pathogenic for Autosomal recessive limb-girdle muscular dystrophy type 2B; Miyoshi muscular dystrophy 1; Distal myopathy with anterior tibial onset. Last evaluated: 2024-02-08. Review status: criteria provided, single submitter. Criteria: ACMG Guidelines, 2015. Collection method: clinical testing. Allele origin: germline.

Labcorp Genetics (formerly Invitae), Labcorp
Classification: Likely pathogenic for Neuromuscular disease caused by qualitative or quantitative defects of dysferlin. Last evaluated: 2023-01-01. Review status: criteria provided, single submitter. Criteria: Invitae Variant Classification Sherloc (09022015). Collection method: clinical testing. Allele origin: germline.
Comment: This sequence change affects an acceptor splice site in intron 50 of the DYSF gene. It is expected to disrupt RNA splicing. Variants that disrupt the donor or acceptor splice site typically lead to a loss of protein function (PMID: 16199547), and loss-of-function variants in DYSF are known to be pathogenic (PMID: 17698709, 20301480). This variant is present in population databases (rs751473506, gnomAD 0.0009%). In summary, the currently available evidence indicates that the variant is pathogenic, but additional data are needed to prove that conclusively. Therefore, this variant has been classified as Likely Pathogenic. Algorithms developed to predict the effect of sequence changes on RNA splicing suggest that this variant may disrupt the consensus splice site. ClinVar contains an entry for this variant (Variation ID: 550665). This variant has not been reported in the literature in individuals affected with DYSF-related conditions.

Counsyl
Classification: Likely pathogenic for Autosomal recessive limb-girdle muscular dystrophy type 2B. Last evaluated: 2017-02-07. Review status: no assertion criteria provided. Collection method: clinical testing. Allele origin: unknown. Not counted in ClinVar's aggregate classification.

Dr. Peter K. Rogan Lab, Western University
No classification provided (evidence only). Condition: Lung cancer. Review status: no classification provided. Collection method: in vitro. Allele origin: not applicable. Functional consequence: retained intron. Not counted in ClinVar's aggregate classification.

Literature cited by the submitters: PubMed 16199547 (cited by Labcorp Genetics (formerly Invitae), Labcorp); PubMed 17698709 (cited by Labcorp Genetics (formerly Invitae), Labcorp); PubMed 20301480 (cited by Labcorp Genetics (formerly Invitae), Labcorp).

NM_001130987.2(DYSF):c.5785-1G>C

Gene: DYSF (dysferlin; plus strand). Cytogenetic location: 2p13.2.
Variant type: single nucleotide variant.
Coding change: c.5785-1G>C on transcript NM_001130987.2 (MANE Select); the canonical splice acceptor site of the intron before coding-DNA position 5785, G replaced by C.
Molecular consequence: splice acceptor variant.
Genome position (GRCh38, 1-based): chr2:71,674,196, G>C. VCF-style: chr2-71674196-G-C. GRCh37 (hg19) VCF-style: chr2-71901326-G-C.
Other names: c.5761-1G>C (NM_001130979.2); c.5782-1G>C (NM_001130981.2); c.5719-1G>C (NM_001130980.2); c.5731-1G>C (NM_001130978.2); c.5668-1G>C (NM_003494.4); c.5689-1G>C (NM_001130977.2); c.5626-1G>C (NM_001130976.2); c.5764-1G>C (NM_001130982.2); and 5 more.
Identifiers: ClinVar variation 550665 (VCV000550665.19), dbSNP rs751473506, ClinGen allele CA1707512.
Genomic context (GRCh38, chr2:71,674,196, plus strand): 5'-GAACACTGCCTCTCTCTAACCTTGCTTCCTTGCATCCTTCTCTGTTCCTCTTCCGGGTCA[G>C]GATGCCTTCTGGAGGCTGGACAAGACTGAGAGCAAAATCCCAGCACGAGTGGTGTTCCAG-3'